The following is an entry in ClinVar:

ClinVar aggregate classification (germline): Uncertain significance (1 of 4 stars; one submission).

Conditions:
Ehlers-Danlos syndrome, kyphoscoliotic type 1 (EDSKSCL1). Also called: Ehlers-Danlos syndrome, hydroxylysine-deficient; PLOD1-Related Kyphoscoliotic Ehlers-Danlos Syndrome; EHLERS-DANLOS SYNDROME, TYPE VIA; EHLERS-DANLOS SYNDROME, OCULAR-SCOLIOTIC TYPE. Identifiers: Orphanet 1900, MedGen C0268342, MONDO:0016002, OMIM 225400. Disease mechanism: loss of function.

gnomAD v4.1: 1 of 1,613,870 alleles (0.000062%); highest among the groups gnomAD compares: African/African-American, 0.0013%; no homozygotes.

Submission:

Labcorp Genetics (formerly Invitae), Labcorp
Classification: Uncertain significance for Ehlers-Danlos syndrome, kyphoscoliotic type 1. Last evaluated: 2021-10-02. Review status: criteria provided, single submitter. Criteria: Invitae Variant Classification Sherloc (09022015). Collection method: clinical testing. Allele origin: germline.
Comment: In summary, the available evidence is currently insufficient to determine the role of this variant in disease. Therefore, it has been classified as a Variant of Uncertain Significance. Algorithms developed to predict the effect of missense changes on protein structure and function (SIFT, PolyPhen-2, Align-GVGD) all suggest that this variant is likely to be tolerated. This variant has not been reported in the literature in individuals affected with PLOD1-related conditions. This variant is not present in population databases (ExAC no frequency). This sequence change replaces valine with leucine at codon 292 of the PLOD1 protein (p.Val292Leu). The valine residue is moderately conserved and there is a small physicochemical difference between valine and leucine.

NM_000302.4(PLOD1):c.874G>C (p.Val292Leu)

Gene: PLOD1 (procollagen-lysine,2-oxoglutarate 5-dioxygenase 1; plus strand). Cytogenetic location: 1p36.22.
Variant type: single nucleotide variant.
Coding change: c.874G>C on transcript NM_000302.4 (MANE Select); coding-DNA position 874, G replaced by C.
Protein change: p.Val292Leu; replaces valine 292 with leucine.
Molecular consequence: missense variant.
Genome position (GRCh38, 1-based): chr1:11,958,546, G>C. VCF-style: chr1-11958546-G-C. GRCh37 (hg19) VCF-style: chr1-12018603-G-C.
Other names: c.1015G>C, p.Val339Leu (NM_001316320.2); short protein forms V292L, V339L.
Identifiers: ClinVar variation 1522356 (VCV001522356.6), dbSNP rs143114026, ClinGen allele CA338433812.
Genomic context (GRCh38, chr1:11,958,546, plus strand): 5'-TGGACTCTTGTGCCGCCCTCCCTGGTGCAGGATGAAGCTCTGCCCACGGTCCTGGTCGGC[G>C]TGTTCATCGAACAGCCCACGCCGTTTGTGTCCCTGTTCTTCCAGCGGCTCCTGCGGCTCC-3'
Protein context (NP_000293.2, residues 282-302): DEALPTVLVG[Val292Leu]FIEQPTPFVS